The following is an entry in ClinVar:

NM_001110354.2(ZP3):c.186C>T (p.Thr62=)

Gene: ZP3 (zona pellucida glycoprotein 3; plus strand). Cytogenetic location: 7q11.23.
Variant type: single nucleotide variant.
Coding change: c.186C>T on transcript NM_001110354.2 (MANE Select); coding-DNA position 186, C replaced by T.
Protein change: p.Thr62=; no amino-acid change (threonine 62 retained).
Molecular consequence: synonymous variant.
Genome position (GRCh38, 1-based): chr7:76,425,150, C>T. VCF-style: chr7-76425150-C-T. GRCh37 (hg19) VCF-style: chr7-76054467-C-T.
Other names: c.33C>T, p.Thr11= (NM_007155.6).
Identifiers: ClinVar variation 3035426 (VCV003035426.2), dbSNP rs115350845, ClinGen allele CA4307240.
Genomic context (GRCh38, chr7:76,425,150, plus strand): 5'-ACTGGTGGAGTGTCAGGAGGCCACTCTGATGGTCATGGTCAGCAAAGACCTTTTTGGCAC[C>T]GGGAAGCTCATCAGGGCTGCTGACCTCACCTTGGGCCCAGAGGCCTGTGAGCCTCTGGTC-3'
Protein context (NP_001103824.1, residues 52-72): MVMVSKDLFG[Thr62=]GKLIRAADLT

ClinVar aggregate classification (germline): Benign (0 of 4 stars; one submission).

Conditions:
ZP3-related disorder. Also called: ZP3-related condition.

Allele frequency attached by ClinVar (database versions not stated): gnomAD exomes 0.00030; ExAC 0.00068; gnomAD 0.00182; TOPMed 0.00217; 1000 Genomes Project 30x 0.00219; 1000 Genomes Project 0.00220; ESP Exome Variant Server 0.00308.
gnomAD v4.1: 719 of 1,613,950 alleles (0.045%); highest among the groups gnomAD compares: African/African-American, 0.67%; no homozygotes.

Submission:

PreventionGenetics, part of Exact Sciences
Classification: Benign for ZP3-related condition. Last evaluated: 2019-07-31. Review status: no assertion criteria provided. Collection method: clinical testing. Allele origin: germline.
Comment: This variant is classified as benign based on ACMG/AMP sequence variant interpretation guidelines (Richards et al. 2015 PMID: 25741868, with internal and published modifications).